The following is an entry in ClinVar:

NM_001134363.3(RBM20):c.2182G>A (p.Glu728Lys)

Gene: RBM20 (RNA binding motif protein 20; plus strand). Cytogenetic location: 10q25.2.
Variant type: single nucleotide variant.
Coding change: c.2182G>A on transcript NM_001134363.3 (MANE Select); coding-DNA position 2182, G replaced by A.
Protein change: p.Glu728Lys; replaces glutamic acid 728 with lysine.
Molecular consequence: missense variant.
Genome position (GRCh38, 1-based): chr10:110,812,579, G>A. VCF-style: chr10-110812579-G-A. GRCh37 (hg19) VCF-style: chr10-112572337-G-A.
Other names: short protein forms E728K.
Identifiers: ClinVar variation 2761956 (VCV002761956.3), dbSNP rs1844785287, ClinGen allele CA378372413.
Genomic context (GRCh38, chr10:110,812,579, plus strand): 5'-GCACATGATCGCAAACACCACCCCCGGCAACTGGACAAGGCTGAGTTGGACGAGCGACCA[G>A]AAGGAGGGAGGCCCCACCGGGAGAAGTACCCGAGATCTGGGTCTCCCAACCTGCCCCACT-3'
Protein context (NP_001127835.2, residues 718-738): LDKAELDERP[Glu728Lys]GGRPHREKYP

ClinVar aggregate classification (germline): Uncertain significance (1 of 4 stars; one submission).

Conditions:
Dilated cardiomyopathy 1DD (CMD1DD). Identifiers: Orphanet 154, MedGen C2750995, MONDO:0013168, OMIM 613172.

Submission:

Labcorp Genetics (formerly Invitae), Labcorp
Classification: Uncertain significance for Dilated cardiomyopathy 1DD. Last evaluated: 2023-09-20. Review status: criteria provided, single submitter. Criteria: Invitae Variant Classification Sherloc (09022015). Collection method: clinical testing. Allele origin: germline.
Comment: This sequence change replaces glutamic acid, which is acidic and polar, with lysine, which is basic and polar, at codon 728 of the RBM20 protein (p.Glu728Lys). This variant is not present in population databases (gnomAD no frequency). This variant has not been reported in the literature in individuals affected with RBM20-related conditions. Advanced modeling of protein sequence and biophysical properties (such as structural, functional, and spatial information, amino acid conservation, physicochemical variation, residue mobility, and thermodynamic stability) performed at Invitae indicates that this missense variant is not expected to disrupt RBM20 protein function. In summary, the available evidence is currently insufficient to determine the role of this variant in disease. Therefore, it has been classified as a Variant of Uncertain Significance.